The following is an entry in ClinVar:

NM_007294.4(BRCA1):c.5467+3A>G

Gene: BRCA1 (BRCA1 DNA repair associated; minus strand). Cytogenetic location: 17q21.31.
Variant type: single nucleotide variant.
Coding change: c.5467+3A>G on transcript NM_007294.4 (MANE Select); 3 bases into the intron after coding-DNA position 5467, A replaced by G.
Molecular consequence: intron variant.
Genome position (GRCh38, 1-based): chr17:43,047,640, T>C on the plus strand (A>G on the coding strand, the complement: BRCA1 is on the minus strand). VCF-style: chr17-43047640-T-C. GRCh37 (hg19) VCF-style: chr17-41199657-T-C.
Other names: c.2014+3A>G (NM_001408458.1, NM_001408461.1, NM_001408464.1 and 7 more transcripts); c.4576+3A>G (NM_001407967.1); c.5086+3A>G (NM_001407959.1); c.5200+3A>G (NM_001407931.1, NM_001407932.1, NM_001407928.1 and 4 more transcripts); c.5323+3A>G (NM_001407747.1, NM_001407745.1, NM_001407737.1 and 18 more transcripts); c.5083+3A>G (NM_001407962.1, NM_001407960.1); c.1654+3A>G (NM_001408512.1); c.1777+3A>G (NM_001408510.1); and 83 more.
Identifiers: ClinVar variation 864878 (VCV000864878.3), dbSNP rs431825417, ClinGen allele CA916080772.

Conditions:
Breast-ovarian cancer, familial, susceptibility to, 1 (BROVCA1). Also called: BRCA1 Hereditary Breast and Ovarian Cancer; OVARIAN CANCER, SUSCEPTIBILITY TO. Identifiers: Orphanet 145, MedGen C2676676, MONDO:0011450, OMIM 604370. Disease mechanism: loss of function.

Submission:

Brotman Baty Institute, University of Washington
No classification provided (evidence only). Condition: Breast-ovarian cancer, familial 1. Review status: no classification provided. Collection method: in vitro. Allele origin: not applicable. Functional consequence: functionally_normal.
ClinVar note: "not provided" was previously submitted as the classification for the variant. However, the classification appeared to be based only on an observation of functional data so it was converted to no classification on 2025-07-30.